The following is an entry in ClinVar:

NM_001113378.2(FANCI):c.3163G>A (p.Gly1055Arg)

Gene: FANCI (FA complementation group I; plus strand). Cytogenetic location: 15q26.1.
Variant type: single nucleotide variant.
Coding change: c.3163G>A on transcript NM_001113378.2 (MANE Select); coding-DNA position 3163, G replaced by A.
Protein change: p.Gly1055Arg; replaces glycine 1055 with arginine.
Molecular consequence: missense variant.
Genome position (GRCh38, 1-based): chr15:89,305,219, G>A. VCF-style: chr15-89305219-G-A. GRCh37 (hg19) VCF-style: chr15-89848450-G-A.
Other names: c.2884G>A, p.Gly962Arg (NM_001376910.1); c.3163G>A, p.Gly1055Arg (NM_001376911.1); c.2983G>A, p.Gly995Arg (NM_018193.3); short protein forms G962R, G1055R, G995R.
Identifiers: ClinVar variation 2162188 (VCV002162188.3), dbSNP rs992499560, ClinGen allele CA393739467.

ClinVar aggregate classification (germline): Uncertain significance. Review status: criteria provided, multiple submitters, no conflicts (2 of 4 stars). 2 submissions from 2 submitters: Uncertain significance (2). Last evaluated 2025-08-04.

Conditions:
Inborn genetic diseases. Identifiers: MedGen C0950123, MeSH D030342.
Fanconi anemia (FA). Also called: Fanconi's anemia. Identifiers: Orphanet 84, MedGen C0015625, MeSH D005199, MONDO:0019391.

Allele frequency attached by ClinVar (database versions not stated): TOPMed 0.00001; gnomAD exomes 0.00002.

Submissions (2):

Labcorp Genetics (formerly Invitae), Labcorp
Classification: Uncertain significance for Fanconi anemia. Last evaluated: 2025-08-04. Review status: criteria provided, single submitter. Criteria: Invitae Variant Classification Sherloc (09022015). Collection method: clinical testing. Allele origin: germline.
Comment: This sequence change replaces glycine, which is neutral and non-polar, with arginine, which is basic and polar, at codon 1055 of the FANCI protein (p.Gly1055Arg). This variant is not present in population databases (gnomAD no frequency). This variant has not been reported in the literature in individuals affected with FANCI-related conditions. ClinVar contains an entry for this variant (Variation ID: 2162188). Invitae Evidence Modeling of protein sequence and biophysical properties (such as structural, functional, and spatial information, amino acid conservation, physicochemical variation, residue mobility, and thermodynamic stability) indicates that this missense variant is not expected to disrupt FANCI protein function with a negative predictive value of 80%. In summary, the available evidence is currently insufficient to determine the role of this variant in disease. Therefore, it has been classified as a Variant of Uncertain Significance.

Ambry Genetics
Classification: Uncertain significance for Inborn genetic diseases. Last evaluated: 2025-08-02. Review status: criteria provided, single submitter. Criteria: Ambry Variant Classification Scheme 2023. Collection method: clinical testing. Allele origin: germline.